The following is an entry in ClinVar:

ClinVar aggregate classification (germline): Uncertain significance (1 of 4 stars; one submission).

Conditions:
Hereditary spastic paraplegia 28. Also called: Spastic paraplegia 28, autosomal recessive. Identifiers: Orphanet 101008, MedGen C1836295, MONDO:0012256, OMIM 609340.

Allele frequency attached by ClinVar (database versions not stated): gnomAD 0.00001; TOPMed 0.00001.

Submission:

Labcorp Genetics (formerly Invitae), Labcorp
Classification: Uncertain significance for Hereditary spastic paraplegia 28. Last evaluated: 2019-08-27. Review status: criteria provided, single submitter. Criteria: Invitae Variant Classification Sherloc (09022015). Collection method: clinical testing. Allele origin: germline.
Comment: This variant has not been reported in the literature in individuals with DDHD1-related conditions. This variant is not present in population databases (ExAC no frequency). This sequence change replaces serine with phenylalanine at codon 98 of the DDHD1 protein (p.Ser98Phe). The serine residue is weakly conserved and there is a large physicochemical difference between serine and phenylalanine. Algorithms developed to predict the effect of missense changes on protein structure and function are either unavailable or do not agree on the potential impact of this missense change (SIFT: "Tolerated"; PolyPhen-2: "Probably Damaging"; Align-GVGD: "Class C0"). In summary, the available evidence is currently insufficient to determine the role of this variant in disease. Therefore, it has been classified as a Variant of Uncertain Significance.

NM_001160148.2(DDHD1):c.293C>T (p.Ser98Phe)

Gene: DDHD1 (DDHD domain containing 1; minus strand). Cytogenetic location: 14q22.1.
Variant type: single nucleotide variant.
Coding change: c.293C>T on transcript NM_001160148.2 (MANE Select); coding-DNA position 293, C replaced by T.
Protein change: p.Ser98Phe; replaces serine 98 with phenylalanine.
Molecular consequence: missense variant.
Genome position (GRCh38, 1-based): chr14:53,152,806, G>A on the plus strand (C>T on the coding strand, the complement: DDHD1 is on the minus strand). VCF-style: chr14-53152806-G-A. GRCh37 (hg19) VCF-style: chr14-53619524-G-A.
Other names: c.293C>T, p.Ser98Phe (NM_001160147.2, NM_030637.3); short protein forms S98F.
Identifiers: ClinVar variation 961258 (VCV000961258.9), dbSNP rs907706877, ClinGen allele CA261383505.